The following is an entry in ClinVar:

ClinVar aggregate classification (germline): Likely benign (1 of 4 stars; one submission).

Allele frequency attached by ClinVar (database versions not stated): 1000 Genomes Project 30x 0.00187; TOPMed 0.00224; gnomAD 0.00237; 1000 Genomes Project 0.00240; ESP Exome Variant Server 0.00277; ExAC 0.00320; gnomAD exomes 0.00361.
gnomAD v4.1: 5,605 of 1,614,126 alleles (0.35%); highest among the groups gnomAD compares: Middle Eastern, 0.48%; 12 homozygotes.

Submission:

CeGaT Center for Human Genetics Tuebingen
Classification: Likely benign. Last evaluated: 2023-02-01. Review status: criteria provided, single submitter. Criteria: CeGaT Center For Human Genetics Tuebingen Variant Classification Criteria Version 2. Collection method: clinical testing. Allele origin: germline. Affected: yes. Observed: 1 variant allele.
Comment: IRAK2: BP4, BP7

NM_001570.4(IRAK2):c.606C>T (p.Asp202=)

Gene: IRAK2 (interleukin 1 receptor associated kinase 2; plus strand). Cytogenetic location: 3p25.3.
Variant type: single nucleotide variant.
Coding change: c.606C>T on transcript NM_001570.4 (MANE Select); coding-DNA position 606, C replaced by T.
Protein change: p.Asp202=; no amino-acid change (aspartic acid 202 retained).
Molecular consequence: synonymous variant.
Genome position (GRCh38, 1-based): chr3:10,213,284, C>T. VCF-style: chr3-10213284-C-T. GRCh37 (hg19) VCF-style: chr3-10254968-C-T.
Identifiers: ClinVar variation 2653516 (VCV002653516.24), dbSNP rs56154338, ClinGen allele CA2251196.